The following is an entry in ClinVar:

NM_005207.4(CRKL):c.532G>A (p.Val178Ile)

Gene: CRKL (CRK like proto-oncogene, adaptor protein; plus strand). Cytogenetic location: 22q11.21.
Variant type: single nucleotide variant.
Coding change: c.532G>A on transcript NM_005207.4 (MANE Select); coding-DNA position 532, G replaced by A.
Protein change: p.Val178Ile; replaces valine 178 with isoleucine.
Molecular consequence: missense variant. On other transcripts: non-coding transcript variant (1).
Genome position (GRCh38, 1-based): chr22:20,933,999, G>A. VCF-style: chr22-20933999-G-A. GRCh37 (hg19) VCF-style: chr22-21288287-G-A.
Other names: c.532G>A (NM_005207.3); short protein forms V178I.
Identifiers: ClinVar variation 2903897 (VCV002903897.4), dbSNP rs535421669, ClinGen allele CA10117362.

ClinVar aggregate classification (germline): Uncertain significance. Review status: criteria provided, multiple submitters, no conflicts (2 of 4 stars). 2 submissions from 2 submitters: Uncertain significance (2). Last evaluated 2025-09-02.

Allele frequency attached by ClinVar (database versions not stated): TOPMed below 0.00001; 1000 Genomes Project 0.00020; gnomAD 0.00003; gnomAD exomes 0.00008; ExAC 0.00014; 1000 Genomes Project 30x 0.00016.
gnomAD v4.1: 125 of 1,614,170 alleles (0.0077%); highest among the groups gnomAD compares: South Asian, 0.13%; 2 homozygotes.

Submissions (2):

Labcorp Genetics (formerly Invitae), Labcorp
Classification: Uncertain significance. Last evaluated: 2025-09-02. Review status: criteria provided, single submitter. Criteria: Invitae Variant Classification Sherloc (09022015). Collection method: clinical testing. Allele origin: germline.
Comment: This sequence change replaces valine, which is neutral and non-polar, with isoleucine, which is neutral and non-polar, at codon 178 of the CRKL protein (p.Val178Ile). This variant is present in population databases (rs535421669, gnomAD 0.1%), and has an allele count higher than expected for a pathogenic variant. This variant has not been reported in the literature in individuals affected with CRKL-related conditions. ClinVar contains an entry for this variant (Variation ID: 2903897). An algorithm developed to predict the effect of missense changes on protein structure and function (PolyPhen-2) suggests that this variant is likely to be tolerated. In summary, the available evidence is currently insufficient to determine the role of this variant in disease. Therefore, it has been classified as a Variant of Uncertain Significance.

Ambry Genetics
Classification: Uncertain significance. Last evaluated: 2024-02-28. Review status: criteria provided, single submitter. Criteria: Ambry Variant Classification Scheme 2023. Collection method: clinical testing. Allele origin: germline.